The following is an entry in ClinVar:

ClinVar aggregate classification (germline): Likely pathogenic (1 of 4 stars; one submission).

Conditions:
Congenital disorder of deglycosylation (CDDG). Identifiers: MedGen C3808991, MONDO:0031376.

Submission:

Labcorp Genetics (formerly Invitae), Labcorp
Classification: Likely pathogenic for Congenital disorder of deglycosylation. Last evaluated: 2024-05-05. Review status: criteria provided, single submitter. Criteria: Invitae Variant Classification Sherloc (09022015). Collection method: clinical testing. Allele origin: germline.
Comment: This sequence change affects a donor splice site in intron 10 of the NGLY1 gene. It is expected to disrupt RNA splicing. Variants that disrupt the donor or acceptor splice site typically lead to a loss of protein function (PMID: 16199547), and loss-of-function variants in NGLY1 are known to be pathogenic (PMID: 24651605). This variant is not present in population databases (gnomAD no frequency). This variant has not been reported in the literature in individuals affected with NGLY1-related conditions. ClinVar contains an entry for this variant (Variation ID: 2054638). Algorithms developed to predict the effect of sequence changes on RNA splicing suggest that this variant may disrupt the consensus splice site. In summary, the currently available evidence indicates that the variant is pathogenic, but additional data are needed to prove that conclusively. Therefore, this variant has been classified as Likely Pathogenic.

Literature cited by the submitters: PubMed 16199547; PubMed 24651605.

NM_018297.4(NGLY1):c.1611+1G>C

Gene: NGLY1 (N-glycanase 1; minus strand). Cytogenetic location: 3p24.2.
Variant type: single nucleotide variant.
Coding change: c.1611+1G>C on transcript NM_018297.4 (MANE Select); the canonical splice donor site of the intron after coding-DNA position 1611, G replaced by C.
Molecular consequence: splice donor variant.
Genome position (GRCh38, 1-based): chr3:25,729,132, C>G on the plus strand (G>C on the coding strand, the complement: NGLY1 is on the minus strand). VCF-style: chr3-25729132-C-G. GRCh37 (hg19) VCF-style: chr3-25770623-C-G.
Other names: c.1485+1G>C (NM_001145294.2); c.1611+1G>C (NM_001145295.2); c.1557+1G>C (NM_001145293.2).
Identifiers: ClinVar variation 2054638 (VCV002054638.5), dbSNP rs1705409477, ClinGen allele CA351896048.